The following is an entry in ClinVar:

NM_004380.3(CREBBP):c.2741G>A (p.Ser914Asn)

Gene: CREBBP (CREB binding lysine acetyltransferase; minus strand). Cytogenetic location: 16p13.3.
Variant type: single nucleotide variant.
Coding change: c.2741G>A on transcript NM_004380.3 (MANE Select); coding-DNA position 2741, G replaced by A.
Protein change: p.Ser914Asn; replaces serine 914 with asparagine.
Molecular consequence: missense variant.
Genome position (GRCh38, 1-based): chr16:3,770,709, C>T on the plus strand (G>A on the coding strand, the complement: CREBBP is on the minus strand). VCF-style: chr16-3770709-C-T. GRCh37 (hg19) VCF-style: chr16-3820710-C-T.
Other names: c.2627G>A, p.Ser876Asn (NM_001079846.1); short protein forms S876N, S914N.
Identifiers: ClinVar variation 4534714 (VCV004534714.6).

ClinVar aggregate classification (germline): Uncertain significance (1 of 4 stars; one submission).

Submission:

CeGaT Center for Human Genetics Tuebingen
Classification: Uncertain significance. Last evaluated: 2025-11-01. Review status: criteria provided, single submitter. Criteria: CeGaT Center For Human Genetics Tuebingen Variant Classification Criteria Version 2. Collection method: clinical testing. Allele origin: germline. Affected: yes. Observed: 1 variant allele.
Comment: CREBBP: PM2, PP2